The following is an entry in ClinVar:

NM_004364.5(CEBPA):c.601C>G (p.Leu201Val)

Gene: CEBPA (CCAAT enhancer binding protein alpha; minus strand). Cytogenetic location: 19q13.11.
Variant type: single nucleotide variant.
Coding change: c.601C>G on transcript NM_004364.5 (MANE Select); coding-DNA position 601, C replaced by G.
Protein change: p.Leu201Val; replaces leucine 201 with valine.
Molecular consequence: missense variant.
Genome position (GRCh38, 1-based): chr19:33,301,814, G>C on the plus strand (C>G on the coding strand, the complement: CEBPA is on the minus strand). VCF-style: chr19-33301814-G-C. GRCh37 (hg19) VCF-style: chr19-33792720-G-C.
Other names: c.244C>G, p.Leu82Val (NM_001285829.2); c.706C>G, p.Leu236Val (NM_001287424.2); c.559C>G, p.Leu187Val (NM_001287435.2); short protein forms L187V, L236V, L201V, L82V.
Identifiers: ClinVar variation 4611535 (VCV004611535.1).

ClinVar aggregate classification (germline): Uncertain significance (1 of 4 stars; one submission).

Conditions:
Inborn genetic diseases. Identifiers: MedGen C0950123, MeSH D030342.

Submission:

Ambry Genetics
Classification: Uncertain significance for Inborn genetic diseases. Last evaluated: 2025-11-30. Review status: criteria provided, single submitter. Criteria: Ambry Variant Classification Scheme 2023. Collection method: clinical testing. Allele origin: germline.
Comment: The p.L201V variant (also known as c.601C>G), located in coding exon 1 of the CEBPA gene, results from a C to G substitution at nucleotide position 601. The leucine at codon 201 is replaced by valine, an amino acid with highly similar properties. This amino acid position is conserved. In addition, this alteration is predicted to be tolerated by in silico analysis. Based on the available evidence, the clinical significance of this variant remains unclear.